The following is an entry in ClinVar:

ClinVar aggregate classification (germline): Uncertain significance. Review status: criteria provided, multiple submitters, no conflicts (2 of 4 stars). 2 submissions from 2 submitters: Uncertain significance (2). Last evaluated 2022-07-19.

Conditions:
Spermatogenic failure 18. Identifiers: MedGen C4539783, MONDO:0054615, OMIM 617576.
Ciliary dyskinesia, primary, 37 (CILD37). Also called: CILIARY DYSKINESIA, PRIMARY, 37, WITH OR WITHOUT SITUS INVERSUS. Identifiers: MedGen C4539798, MONDO:0033204, OMIM 617577.

Allele frequency attached by ClinVar (database versions not stated): gnomAD exomes 0.00005 and 0.00006; ExAC 0.00013; ESP Exome Variant Server 0.00016; gnomAD 0.00029 and 0.00030; TOPMed 0.00029; 1000 Genomes Project 30x 0.00094; 1000 Genomes Project 0.00100.
gnomAD v4.1: 116 of 1,613,266 alleles (0.0072%); highest among the groups gnomAD compares: African/African-American, 0.11%; no homozygotes.

Submissions (2):

Labcorp Genetics (formerly Invitae), Labcorp
Classification: Uncertain significance for Ciliary dyskinesia, primary, 37; Spermatogenic failure 18. Last evaluated: 2022-07-19. Review status: criteria provided, single submitter. Criteria: Invitae Variant Classification Sherloc (09022015). Collection method: clinical testing. Allele origin: germline.
Comment: This sequence change replaces asparagine, which is neutral and polar, with serine, which is neutral and polar, at codon 3750 of the DNAH1 protein (p.Asn3750Ser). This variant is present in population databases (rs114272520, gnomAD 0.09%). This variant has not been reported in the literature in individuals affected with DNAH1-related conditions. ClinVar contains an entry for this variant (Variation ID: 544608). Algorithms developed to predict the effect of missense changes on protein structure and function are either unavailable or do not agree on the potential impact of this missense change (SIFT: "Deleterious"; PolyPhen-2: "Benign"; Align-GVGD: "Class C0"). In summary, the available evidence is currently insufficient to determine the role of this variant in disease. Therefore, it has been classified as a Variant of Uncertain Significance.

Breakthrough Genomics
Classification: Uncertain significance. Review status: criteria provided, single submitter. Criteria: ACMG Guidelines, 2015. Collection method: not provided. Allele origin: germline. Inheritance: Autosomal recessive inheritance. Affected: yes.

NM_015512.5(DNAH1):c.11249A>G (p.Asn3750Ser)

Gene: DNAH1 (dynein axonemal heavy chain 1; plus strand). Cytogenetic location: 3p21.1.
Variant type: single nucleotide variant.
Coding change: c.11249A>G on transcript NM_015512.5 (MANE Select); coding-DNA position 11249, A replaced by G.
Protein change: p.Asn3750Ser; replaces asparagine 3750 with serine.
Molecular consequence: missense variant.
Genome position (GRCh38, 1-based): chr3:52,395,668, A>G. VCF-style: chr3-52395668-A-G. GRCh37 (hg19) VCF-style: chr3-52429684-A-G.
Other names: short protein forms N3750S.
Identifiers: ClinVar variation 544608 (VCV000544608.6), dbSNP rs114272520, ClinGen allele CA2436099.